The following is an entry in ClinVar:

ClinVar aggregate classification (germline): Pathogenic (1 of 4 stars; one submission).

Submission:

GeneDx
Classification: Pathogenic. Last evaluated: 2024-05-07. Review status: criteria provided, single submitter. Criteria: GeneDx Variant Classification Process June 2021. Collection method: clinical testing. Allele origin: germline. Affected: yes.
Comment: Occurs in the triple helical domain and replaces a glycine in a canonical Gly-X-Y repeat; missense substitution of a canonical glycine residue is expected to disrupt normal protein folding and function, and this is an established mechanism of disease (Jovanovic et al., 2021); Not observed at significant frequency in large population cohorts (gnomAD); In silico analysis supports that this missense variant has a deleterious effect on protein structure/function; Has not been previously published as pathogenic or benign to our knowledge; Also known as p.G556R; This variant is associated with the following publications: (PMID: 34007986)

NM_001844.5(COL2A1):c.2266G>C (p.Gly756Arg)

Gene: COL2A1 (collagen type II alpha 1 chain; minus strand). Cytogenetic location: 12q13.11.
Variant type: single nucleotide variant.
Coding change: c.2266G>C on transcript NM_001844.5 (MANE Select); coding-DNA position 2266, G replaced by C.
Protein change: p.Gly756Arg; replaces glycine 756 with arginine.
Molecular consequence: missense variant.
Genome position (GRCh38, 1-based): chr12:47,982,537, C>G on the plus strand (G>C on the coding strand, the complement: COL2A1 is on the minus strand). VCF-style: chr12-47982537-C-G. GRCh37 (hg19) VCF-style: chr12-48376320-C-G.
Other names: c.2059G>C, p.Gly687Arg (NM_033150.3); short protein forms G687R, G756R.
Identifiers: ClinVar variation 3253420 (VCV003253420.1), dbSNP rs2540134084.
Genomic context (GRCh38, chr12:47,982,537, plus strand): 5'-GAGAGGCTGTAACCTCAGTACTTACCCTGTCGCCTTTGGGCCCAGCGATACCAGCTGCTC[C>G]CCTCTCGCCAGGCATTCCCTGAAGACCTGGAGGGCCCTGAGCCCCAGGGGGGCCTGCTGG-3'
Protein context (NP_001835.3, residues 746-766): PGLQGMPGER[Gly756Arg]AAGIAGPKGD